The following is an entry in ClinVar:

NM_000077.5(CDKN2A):c.22A>C (p.Ser8Arg)

Gene: CDKN2A (cyclin dependent kinase inhibitor 2A; minus strand). Cytogenetic location: 9p21.3.
Variant type: single nucleotide variant.
Coding change: c.22A>C on transcript NM_000077.5; coding-DNA position 22, A replaced by C.
Protein change: p.Ser8Arg; replaces serine 8 with arginine.
Molecular consequence: missense variant (on NM_000077.6). On other transcripts: intron variant (2).
Genome position (GRCh38, 1-based): chr9:21,974,806, T>G on the plus strand (A>C on the coding strand, the complement: CDKN2A is on the minus strand). VCF-style: chr9-21974806-T-G. GRCh37 (hg19) VCF-style: chr9-21974805-T-G.
Other names: c.22A>C, p.Ser8Arg (NM_000077.6, NM_001195132.2, NM_058197.5); c.-3-3598A>C (NM_001363763.2); c.194-3598A>C (NM_058195.4); short protein forms S8R.
Identifiers: ClinVar variation 968555 (VCV000968555.11), dbSNP rs1554656665, ClinGen allele CA373086705.
Genomic context (GRCh38, chr9:21,974,806, plus strand): 5'-CCTCCTCTACCCGACCCCGGGCCGCGGCCGTGGCCAGCCAGTCAGCCGAAGGCTCCATGC[T>G]GCTCCCCGCCGCCGGCTCCATGCTGCTCCCCGCCGCCCGCTGCCTGCTCTCCCCCTCTCC-3'
Protein context (NP_000068.1, residues 1-18): MEPAAGS[Ser8Arg]MEPSADWLAT

ClinVar aggregate classification (germline): Uncertain significance. Review status: criteria provided, multiple submitters, no conflicts (2 of 4 stars). 3 submissions from 3 submitters: Uncertain significance (3). Last evaluated 2024-07-17.

Conditions:
Hereditary cancer-predisposing syndrome. Also called: Neoplastic Syndromes, Hereditary; Tumor predisposition; Hereditary neoplastic syndrome; Hereditary Cancer Syndrome. Identifiers: Orphanet 140162, MedGen C0027672, MeSH D009386, MONDO:0015356.
Familial melanoma. Also called: Hereditary melanoma; Hereditary cutaneous melanoma. Identifiers: Orphanet 618, MedGen C1512419, MONDO:0018961.

gnomAD v4.1: 1 of 1,603,398 alleles (0.000062%); highest among the groups gnomAD compares: East Asian, 0.0022%; no homozygotes.

Submissions (3):

Ambry Genetics
Classification: Uncertain significance for Hereditary cancer-predisposing syndrome. Last evaluated: 2024-07-17. Review status: criteria provided, single submitter. Criteria: Ambry Variant Classification Scheme 2023. Collection method: clinical testing. Allele origin: germline.
Comment: The p.S8R variant (also known as c.22A>C), located in coding exon 1 of the CDKN2A gene, results from an A to C substitution at nucleotide position 22. The serine at codon 8 is replaced by arginine, an amino acid with dissimilar properties. This amino acid position is highly conserved in available vertebrate species. In addition, this alteration is predicted to be tolerated by in silico analysis. Based on the available evidence, the clinical significance of this variant remains unclear.

Labcorp Genetics (formerly Invitae), Labcorp
Classification: Uncertain significance for Familial melanoma. Last evaluated: 2024-06-04. Review status: criteria provided, single submitter. Criteria: Invitae Variant Classification Sherloc (09022015). Collection method: clinical testing. Allele origin: germline.
Comment: This sequence change replaces serine, which is neutral and polar, with arginine, which is basic and polar, at codon 8 of the CDKN2A (p16INK4a) protein (p.Ser8Arg). This variant is not present in population databases (gnomAD no frequency). This variant has not been reported in the literature in individuals affected with CDKN2A (p16INK4a)-related conditions. ClinVar contains an entry for this variant (Variation ID: 968555). An algorithm developed to predict the effect of missense changes on protein structure and function (PolyPhen-2) suggests that this variant is likely to be tolerated. In summary, the available evidence is currently insufficient to determine the role of this variant in disease. Therefore, it has been classified as a Variant of Uncertain Significance.

GeneDx
Classification: Uncertain significance. Last evaluated: 2019-11-07. Review status: criteria provided, single submitter. Criteria: GeneDx Variant Classification Process June 2021. Collection method: clinical testing. Allele origin: germline. Affected: yes.
Comment: Not observed in large population cohorts (Lek et al., 2016); In silico analysis, which includes protein predictors and evolutionary conservation, supports that this variant does not alter protein structure/function; Has not been previously published as pathogenic or benign to our knowledge